The following is an entry in ClinVar:

ClinVar aggregate classification (germline): Uncertain significance. Review status: criteria provided, multiple submitters, no conflicts (2 of 4 stars). 3 submissions from 3 submitters: Uncertain significance (3). Last evaluated 2025-03-12.

Conditions:
DICER1-related tumor predisposition. Also called: DICER1-related pleuropulmonary blastoma cancer predisposition syndrome; DICER1 syndrome. Identifiers: Orphanet 284343, MedGen C3839822, MONDO:0100216.
Hereditary cancer-predisposing syndrome. Also called: Hereditary neoplastic syndrome; Neoplastic Syndromes, Hereditary; Tumor predisposition; Hereditary Cancer Syndrome. Identifiers: Orphanet 140162, MedGen C0027672, MeSH D009386, MONDO:0015356.
Rhabdomyosarcoma, embryonal, 2 (RMSE2). Identifiers: MedGen C1867234, MONDO:0859046, OMIM 180295.
Euthyroid goiter (MNG1). Also called: Goiter, multinodular 1, with or without Sertoli-Leydig cell tumors; GOITER, NONTOXIC, WITH INTRATHYROIDAL CALCIFICATION; MULTINODULAR GOITER, ADOLESCENT; SIMPLE GOITER. Identifiers: Orphanet 276399, MedGen C0302859, MONDO:0007681, OMIM 138800, HP:0009798.
Pleuropulmonary blastoma (PPB). Identifiers: Orphanet 64742, MedGen C1266144, MONDO:0011014, OMIM 601200, HP:0100528.
Global developmental delay - lung cysts - overgrowth - Wilms tumor syndrome. Also called: GLOW Syndrome; GLOBAL DEVELOPMENTAL DELAY, LUNG CYSTS, OVERGROWTH, AND WILMS TUMOR. Identifiers: Orphanet 404476, MedGen C4748924, MONDO:0018445, OMIM 618272.

Submissions (3):

Ambry Genetics
Classification: Uncertain significance for Hereditary cancer-predisposing syndrome. Last evaluated: 2025-03-12. Review status: criteria provided, single submitter. Criteria: Ambry Variant Classification Scheme 2023. Collection method: clinical testing. Allele origin: germline.
Comment: The p.T1074I variant (also known as c.3221C>T), located in coding exon 19 of the DICER1 gene, results from a C to T substitution at nucleotide position 3221. The threonine at codon 1074 is replaced by isoleucine, an amino acid with similar properties. This amino acid position is conserved. In addition, this alteration is predicted to be tolerated by in silico analysis. Since supporting evidence is limited at this time, the clinical significance of this alteration remains unclear.

Fulgent Genetics
Classification: Uncertain significance for Euthyroid goiter; Rhabdomyosarcoma, embryonal, 2; Pleuropulmonary blastoma; Global developmental delay - lung cysts - overgrowth - Wilms tumor syndrome. Last evaluated: 2024-03-17. Review status: criteria provided, single submitter. Criteria: ACMG Guidelines, 2015. Collection method: clinical testing. Allele origin: germline.

Labcorp Genetics (formerly Invitae), Labcorp
Classification: Uncertain significance for DICER1-related tumor predisposition. Last evaluated: 2022-03-05. Review status: criteria provided, single submitter. Criteria: Invitae Variant Classification Sherloc (09022015). Collection method: clinical testing. Allele origin: germline.
Comment: This sequence change replaces threonine, which is neutral and polar, with isoleucine, which is neutral and non-polar, at codon 1074 of the DICER1 protein (p.Thr1074Ile). This variant is not present in population databases (gnomAD no frequency). This variant has not been reported in the literature in individuals affected with DICER1-related conditions. ClinVar contains an entry for this variant (Variation ID: 412171). Algorithms developed to predict the effect of missense changes on protein structure and function (SIFT, PolyPhen-2, Align-GVGD) all suggest that this variant is likely to be tolerated. In summary, the available evidence is currently insufficient to determine the role of this variant in disease. Therefore, it has been classified as a Variant of Uncertain Significance.

NM_177438.3(DICER1):c.3221C>T (p.Thr1074Ile)

Gene: DICER1 (dicer 1, ribonuclease III; minus strand). Cytogenetic location: 14q32.13.
Variant type: single nucleotide variant.
Coding change: c.3221C>T on transcript NM_177438.3 (MANE Select); coding-DNA position 3221, C replaced by T.
Protein change: p.Thr1074Ile; replaces threonine 1074 with isoleucine.
Molecular consequence: missense variant.
Genome position (GRCh38, 1-based): chr14:95,105,119, G>A on the plus strand (C>T on the coding strand, the complement: DICER1 is on the minus strand). VCF-style: chr14-95105119-G-A. GRCh37 (hg19) VCF-style: chr14-95571456-G-A.
Other names: c.3221C>T, p.Thr1074Ile (NM_001195573.1, NM_001271282.3, NM_001291628.2 and 1 more transcripts); short protein forms T1074I.
Identifiers: ClinVar variation 412171 (VCV000412171.14), dbSNP rs1060503653, ClinGen allele CA16614209.